The following is an entry in ClinVar:

ClinVar aggregate classification (germline): Uncertain significance. Review status: criteria provided, multiple submitters, no conflicts (2 of 4 stars). 4 submissions from 4 submitters: Uncertain significance (4). Last evaluated 2025-06-16.

Conditions:
Dilated cardiomyopathy 1KK (CMD1KK). Identifiers: Orphanet 154, Orphanet 75249, MedGen C3714995, MONDO:0014100, OMIM 615248.
MYPN-related myopathy (CMYO24). Also called: Nemaline myopathy 11, autosomal recessive. Identifiers: MedGen C4479186, MONDO:0015023, OMIM 617336.
Cardiovascular phenotype. Identifiers: MedGen CN230736.

Allele frequency attached by ClinVar (database versions not stated): ExAC 0.00001; gnomAD exomes 0.00001 and 0.00002; TOPMed 0.00001.
gnomAD v4.1: 25 of 1,614,046 alleles (0.0015%); highest among the groups gnomAD compares: Admixed American, 0.0033%; no homozygotes.

Submissions (4):

Ambry Genetics
Classification: Uncertain significance for Cardiovascular phenotype. Last evaluated: 2025-06-16. Review status: criteria provided, single submitter. Criteria: Ambry Variant Classification Scheme 2023. Collection method: clinical testing. Allele origin: germline.
Comment: The p.G1153R variant (also known as c.3457G>A), located in coding exon 16 of the MYPN gene, results from a G to A substitution at nucleotide position 3457. The glycine at codon 1153 is replaced by arginine, an amino acid with dissimilar properties. This variant has been detected in a left ventricular non-compaction cohort (Richard P et al. Clin. Genet., 2019 Mar;95:356-367). This amino acid position is highly conserved in available vertebrate species. In addition, this alteration is predicted to be deleterious by in silico analysis. Since supporting evidence is limited at this time, the clinical significance of this alteration remains unclear.

Labcorp Genetics (formerly Invitae), Labcorp
Classification: Uncertain significance for Dilated cardiomyopathy 1KK. Last evaluated: 2022-06-22. Review status: criteria provided, single submitter. Criteria: Invitae Variant Classification Sherloc (09022015). Collection method: clinical testing. Allele origin: germline.
Comment: This sequence change replaces glycine, which is neutral and non-polar, with arginine, which is basic and polar, at codon 1153 of the MYPN protein (p.Gly1153Arg). This variant is present in population databases (rs763805681, gnomAD 0.003%). This missense change has been observed in individual(s) with left ventricular non-compaction (PMID: 30471092). ClinVar contains an entry for this variant (Variation ID: 964480). Algorithms developed to predict the effect of missense changes on protein structure and function are either unavailable or do not agree on the potential impact of this missense change (SIFT: "Deleterious"; PolyPhen-2: "Probably Damaging"; Align-GVGD: "Class C15"). Algorithms developed to predict the effect of sequence changes on RNA splicing suggest that this variant may disrupt the consensus splice site. In summary, the available evidence is currently insufficient to determine the role of this variant in disease. Therefore, it has been classified as a Variant of Uncertain Significance.

AiLife Diagnostics
Classification: Uncertain significance. Last evaluated: 2021-11-05. Review status: criteria provided, single submitter. Criteria: ACMG Guidelines, 2015. Collection method: clinical testing. Allele origin: germline. Affected: yes. Observed: 1 variant allele.

Fulgent Genetics
Classification: Uncertain significance for Dilated cardiomyopathy 1KK; MYPN-related myopathy. Last evaluated: 2021-07-30. Review status: criteria provided, single submitter. Criteria: ACMG Guidelines, 2015. Collection method: clinical testing. Allele origin: unknown.

Literature cited by the submitters: PubMed 30471092 (cited by 3 submitters); PubMed 34088380 (cited by AiLife Diagnostics).

NM_032578.4(MYPN):c.3457G>A (p.Gly1153Arg)

Gene: MYPN (myopalladin; plus strand). Cytogenetic location: 10q21.3.
Variant type: single nucleotide variant.
Coding change: c.3457G>A on transcript NM_032578.4 (MANE Select); coding-DNA position 3457, G replaced by A.
Protein change: p.Gly1153Arg; replaces glycine 1153 with arginine.
Molecular consequence: missense variant. On other transcripts: non-coding transcript variant (2).
Genome position (GRCh38, 1-based): chr10:68,199,539, G>A. VCF-style: chr10-68199539-G-A. GRCh37 (hg19) VCF-style: chr10-69959296-G-A.
Other names: c.3457G>A, p.Gly1153Arg (NM_001256267.2); c.2575G>A, p.Gly859Arg (NM_001256268.2); short protein forms G1153R, G859R.
Identifiers: ClinVar variation 964480 (VCV000964480.12), dbSNP rs763805681, ClinGen allele CA5523046.